The following is an entry in ClinVar:

ClinVar aggregate classification (germline): Uncertain significance (1 of 4 stars; one submission).

Conditions:
Hereditary factor IX deficiency disease (HEMB). Also called: F9 DEFICIENCY; FACTOR IX DEFICIENCY; PLASMA THROMBOPLASTIN COMPONENT DEFICIENCY; Hemophilia B; Christmas Disease. Identifiers: Orphanet 98879, MedGen C0008533, MeSH D002836, MONDO:0010604, OMIM 306900.
Thrombophilia, X-linked, due to factor 9 defect. Identifiers: MedGen C2749016, MONDO:0010432, OMIM 300807.

Submission:

Labcorp Genetics (formerly Invitae), Labcorp
Classification: Uncertain significance for Thrombophilia, X-linked, due to factor 9 defect; Hereditary factor IX deficiency disease. Last evaluated: 2021-05-11. Review status: criteria provided, single submitter. Criteria: Invitae Variant Classification Sherloc (09022015). Collection method: clinical testing. Allele origin: germline.
Comment: This variant results in a copy number gain of the genomic region encompassing exon(s) 1-7 of the F9 gene. This region includes the initiator codon of the gene. The 5' end of this event is unknown as it extends beyond the assayed region for this gene and therefore may encompass additional genes. The 3' boundary is likely confined to intron 7 of the F9 gene. As the precise location of this event is unknown, it may be in tandem or it may be located elsewhere in the genome. This variant has not been reported in the literature in individuals with F9-related conditions. In summary, the available evidence is currently insufficient to determine the role of this variant in disease. Therefore, it has been classified as a Variant of Uncertain Significance.

NC_000023.10:g.(?_138612860)_(138643034_?)dup

Gene: F9 (coagulation factor IX; plus strand). Cytogenetic location: Xq27.1.
Variant type: Duplication.
Identifiers: ClinVar variation 1430878 (VCV001430878.3).